The following is an entry in ClinVar:

ClinVar aggregate classification (germline): Uncertain significance (1 of 4 stars; one submission).

Conditions:
Tumor predisposition syndrome 3 (TPDS3). Also called: Melanoma, cutaneous malignant, susceptibility to, 10; Glioma susceptibility 9; LONG TELOMERE SYNDROME, POT1-RELATED; POT1 Tumor Predisposition. Identifiers: Orphanet 618, MedGen C4014476, MONDO:0014368, OMIM 615848.

Submission:

Labcorp Genetics (formerly Invitae), Labcorp
Classification: Uncertain significance for Tumor predisposition syndrome 3. Last evaluated: 2025-12-10. Review status: criteria provided, single submitter. Criteria: Invitae Variant Classification Sherloc (09022015). Collection method: clinical testing. Allele origin: germline.
Comment: This sequence change replaces valine, which is neutral and non-polar, with phenylalanine, which is neutral and non-polar, at codon 378 of the POT1 protein (p.Val378Phe). This variant is not present in population databases (gnomAD no frequency). This variant has not been reported in the literature in individuals affected with POT1-related conditions. Invitae Evidence Modeling of protein sequence and biophysical properties (such as structural, functional, and spatial information, amino acid conservation, physicochemical variation, residue mobility, and thermodynamic stability) indicates that this missense variant is not expected to disrupt POT1 protein function with a negative predictive value of 80%. In summary, the available evidence is currently insufficient to determine the role of this variant in disease. Therefore, it has been classified as a Variant of Uncertain Significance.

NM_015450.3(POT1):c.1132G>T (p.Val378Phe)

Gene: POT1 (protection of telomeres 1; minus strand). Cytogenetic location: 7q31.33.
Variant type: single nucleotide variant.
Coding change: c.1132G>T on transcript NM_015450.3 (MANE Select); coding-DNA position 1132, G replaced by T.
Protein change: p.Val378Phe; replaces valine 378 with phenylalanine.
Molecular consequence: missense variant. On other transcripts: non-coding transcript variant (3).
Genome position (GRCh38, 1-based): chr7:124,842,838, C>A on the plus strand (G>T on the coding strand, the complement: POT1 is on the minus strand). VCF-style: chr7-124842838-C-A. GRCh37 (hg19) VCF-style: chr7-124482892-C-A.
Other names: c.739G>T, p.Val247Phe (NM_001042594.2); short protein forms V247F, V378F.
Identifiers: ClinVar variation 4743435 (VCV004743435.1).